The following is an entry in ClinVar:

ClinVar aggregate classification (germline): Conflicting classifications of pathogenicity. Review status: criteria provided, conflicting classifications (1 of 4 stars). 5 submissions from 5 submitters: Uncertain significance (1); Likely benign (4). Last evaluated 2026-02-01.

Conditions:
Inborn genetic diseases. Identifiers: MedGen C0950123, MeSH D030342.
Landau-Kleffner syndrome (FESD). Also called: EPILEPSY, FOCAL, WITH SPEECH DISORDER AND WITH OR WITHOUT MENTAL RETARDATION; APHASIA, ACQUIRED, WITH EPILEPSY. Identifiers: Orphanet 1945, Orphanet 725, Orphanet 98818, MedGen C0282512, MONDO:0009509, OMIM 245570.

Allele frequency attached by ClinVar (database versions not stated): TOPMed 0.00002.
gnomAD v4.1: 68 of 1,603,090 alleles (0.0042%); highest among the groups gnomAD compares: East Asian, 0.0067%; no homozygotes.

Submissions (5):

CeGaT Center for Human Genetics Tuebingen
Classification: Likely benign. Last evaluated: 2026-02-01. Review status: criteria provided, single submitter. Criteria: CeGaT Center For Human Genetics Tuebingen Variant Classification Criteria Version 2. Collection method: clinical testing. Allele origin: germline. Affected: yes. Observed: 3 variant alleles.
Comment: GRIN2A: BP4

Women's Health and Genetics/Laboratory Corporation of America, LabCorp
Classification: Uncertain significance. Last evaluated: 2025-10-13. Review status: criteria provided, single submitter. Criteria: LabCorp Variant Classification Summary - May 2015. Collection method: clinical testing. Allele origin: germline.
Comment: Variant summary: GRIN2A c.422C>A (p.Thr141Lys) results in a non-conservative amino acid change in the encoded protein sequence. Algorithms developed to predict the effect of missense changes on protein structure and function are either unavailable or do not agree on the potential impact of this missense change. The variant allele was found at a frequency of 8.1e-05 in 235002 control chromosomes. This frequency is not significantly higher than estimated for disease-causing variants in GRIN2A, allowing no conclusion about variant significance. c.422C>A has been observed in at least one individual with intellectual disability, without strong evidence of causality (example: Redin_2014). This report does not provide unequivocal conclusions about association of the variant with Epilepsy, Focal, With Speech Disorder And With Or Without Mental Retardation. To our knowledge, no experimental evidence demonstrating an impact on protein function has been reported. The following publication has been ascertained in the context of this evaluation (PMID: 25167861). ClinVar contains an entry for this variant (Variation ID: 590147). Based on the evidence outlined above, the variant was classified as uncertain significance.

Labcorp Genetics (formerly Invitae), Labcorp
Classification: Likely benign for Landau-Kleffner syndrome. Last evaluated: 2025-06-03. Review status: criteria provided, single submitter. Criteria: Invitae Variant Classification Sherloc (09022015). Collection method: clinical testing. Allele origin: germline.

Blueprint Genetics
Classification: Likely benign. Last evaluated: 2024-08-14. Review status: criteria provided, single submitter. Criteria: ACMG Guidelines, 2015. Collection method: clinical testing. Allele origin: germline.

Ambry Genetics
Classification: Likely benign for Inborn genetic diseases. Last evaluated: 2018-06-22. Review status: criteria provided, single submitter. Criteria: Ambry Variant Classification Scheme 2023. Collection method: clinical testing. Allele origin: germline.

Literature cited by the submitters: PubMed 25167861 (cited by Women's Health and Genetics/Laboratory Corporation of America, LabCorp).

NM_001134407.3(GRIN2A):c.422C>A (p.Thr141Lys)

Gene: GRIN2A (glutamate ionotropic receptor NMDA type subunit 2A; minus strand). Cytogenetic location: 16p13.2.
Variant type: single nucleotide variant.
Coding change: c.422C>A on transcript NM_001134407.3 (MANE Select); coding-DNA position 422, C replaced by A.
Protein change: p.Thr141Lys; replaces threonine 141 with lysine.
Molecular consequence: missense variant.
Genome position (GRCh38, 1-based): chr16:9,938,544, G>T on the plus strand (C>A on the coding strand, the complement: GRIN2A is on the minus strand). VCF-style: chr16-9938544-G-T. GRCh37 (hg19) VCF-style: chr16-10032401-G-T.
Other names: c.422C>A, p.Thr141Lys (NM_000833.5, NM_001134408.2); short protein forms T141K.
Identifiers: ClinVar variation 590147 (VCV000590147.39), dbSNP rs78631453, ClinGen allele CA7896951.
Genomic context (GRCh38, chr16:9,938,544, plus strand): 5'-ATCTTCAGCATGACCGTGGCTTGCTGCTGGATGGACGCTCCAAACTGGAAGAAGGTAGAC[G>T]TCGGATCCTGCCAGTGAAAAGAAAGTAAAACAGAGGATGAGGCAGGAGGTGGTTTATATA-3'
Protein context (NP_001127879.1, residues 131-151): ASMIMADKDP[Thr141Lys]STFFQFGASI